The following is an entry in ClinVar:

ClinVar aggregate classification (germline): Uncertain significance (1 of 4 stars; one submission).

Conditions:
Cardiovascular phenotype. Identifiers: MedGen CN230736.

Submission:

Ambry Genetics
Classification: Uncertain significance for Cardiovascular phenotype. Last evaluated: 2024-12-21. Review status: criteria provided, single submitter. Criteria: Ambry Variant Classification Scheme 2023. Collection method: clinical testing. Allele origin: germline.
Comment: The p.R2756G variant (also known as c.8266C>G), located in coding exon 2 of the ZNF469 gene, results from a C to G substitution at nucleotide position 8266. The arginine at codon 2756 is replaced by glycine, an amino acid with dissimilar properties. This amino acid position is conserved. In addition, this alteration is predicted to be tolerated by in silico analysis. Based on the available evidence, the clinical significance of this variant remains unclear.

NM_001367624.2(ZNF469):c.8350C>G (p.Arg2784Gly)

Gene: ZNF469 (zinc finger protein 469; plus strand). Cytogenetic location: 16q24.2.
Variant type: single nucleotide variant.
Coding change: c.8350C>G on transcript NM_001367624.2 (MANE Select); coding-DNA position 8350, C replaced by G.
Protein change: p.Arg2784Gly; replaces arginine 2784 with glycine.
Molecular consequence: missense variant.
Genome position (GRCh38, 1-based): chr16:88,435,820, C>G. VCF-style: chr16-88435820-C-G. GRCh37 (hg19) VCF-style: chr16-88502228-C-G.
Other names: NM_001127464.1:c.8266C>G; short protein forms R2784G.
Identifiers: ClinVar variation 3821098 (VCV003821098.1).